The following is an entry in ClinVar:

NM_004036.5(ADCY3):c.1772A>G (p.Asn591Ser)

Gene: ADCY3 (adenylate cyclase 3; minus strand). Cytogenetic location: 2p23.3.
Variant type: single nucleotide variant.
Coding change: c.1772A>G on transcript NM_004036.5 (MANE Select); coding-DNA position 1772, A replaced by G.
Protein change: p.Asn591Ser; replaces asparagine 591 with serine.
Molecular consequence: missense variant.
Genome position (GRCh38, 1-based): chr2:24,834,827, T>C on the plus strand (A>G on the coding strand, the complement: ADCY3 is on the minus strand). VCF-style: chr2-24834827-T-C. GRCh37 (hg19) VCF-style: chr2-25057696-T-C.
Other names: c.1772A>G, p.Asn591Ser (NM_001320613.2, NM_001377129.1, NM_001377130.1 and 1 more transcripts); c.1838A>G, p.Asn613Ser (NM_001377128.1); c.1049A>G, p.Asn350Ser (NM_001377131.1); short protein forms N350S, N591S, N613S.
Identifiers: ClinVar variation 3356297 (VCV003356297.1).
Genomic context (GRCh38, chr2:24,834,827, plus strand): 5'-GCCTGGACGCTTCCGGGTGGCGCTTACACTTGGGCGGACTCTCGCTCAAGCAGGGCCTCG[T>C]TGAGCAGCTGGTTGAGCTCGTGCTCATCTTCAGAGGCATCCACCACTCGGTCAGCCAGGT-3'
Protein context (NP_004027.2, residues 581-601): EDEHELNQLL[Asn591Ser]EALLERESAQ

ClinVar aggregate classification (germline): Uncertain significance (0 of 4 stars; one submission).

Conditions:
ADCY3-related disorder. Also called: ADCY3-related condition.

gnomAD v4.1: 11 of 1,613,952 alleles (0.00068%); highest among the groups gnomAD compares: Admixed American, 0.005%; no homozygotes.

Submission:

PreventionGenetics, part of Exact Sciences
Classification: Uncertain significance for ADCY3-related condition. Last evaluated: 2024-03-27. Review status: no assertion criteria provided. Collection method: clinical testing. Allele origin: germline.
Comment: The ADCY3 c.1772A>G variant is predicted to result in the amino acid substitution p.Asn591Ser. To our knowledge, this variant has not been reported in the literature. This variant is reported in 0.0062% of alleles in individuals of African descent in gnomAD. At this time, the clinical significance of this variant is uncertain due to the absence of conclusive functional and genetic evidence.